The following is an entry in ClinVar:

ClinVar aggregate classification (germline): Likely benign. Review status: criteria provided, single submitter (1 of 4 stars). 2 submissions from 2 submitters: Likely benign (1). 1 of the submissions does not count toward it. Last evaluated 2024-04-04.

Conditions:
HSD17B4-related disorder. Also called: HSD17B4-related condition; HSD17B4-related disorders.
Perrault syndrome. Also called: Gonadal dysgenesis with auditory dysfunction, autosomal recessive inheritance. Identifiers: Orphanet 2855, MedGen C0685838, MONDO:0017312.
Bifunctional peroxisomal enzyme deficiency (DBIF). Also called: PBFE DEFICIENCY; D-bifunctional protein deficiency; DBP DEFICIENCY. Identifiers: Orphanet 300, MedGen C0342870, MONDO:0009855, OMIM 261515. Disease mechanism: loss of function.

Allele frequency attached by ClinVar (database versions not stated): gnomAD 0.00001; gnomAD exomes below 0.00001; TOPMed 0.00001.
gnomAD v4.1: 3 of 1,457,142 alleles (0.00021%); highest among the groups gnomAD compares: African/African-American, 0.0028%; no homozygotes.

Submissions (2):

Labcorp Genetics (formerly Invitae), Labcorp
Classification: Likely benign for Perrault syndrome; Bifunctional peroxisomal enzyme deficiency. Last evaluated: 2024-04-04. Review status: criteria provided, single submitter. Criteria: Invitae Variant Classification Sherloc (09022015). Collection method: clinical testing. Allele origin: germline.

PreventionGenetics, part of Exact Sciences
Classification: Likely benign for HSD17B4-related condition. Last evaluated: 2023-11-08. Review status: no assertion criteria provided. Collection method: clinical testing. Allele origin: germline. Not counted in ClinVar's aggregate classification.
Comment: This variant is classified as likely benign based on ACMG/AMP sequence variant interpretation guidelines (Richards et al. 2015 PMID: 25741868, with internal and published modifications).

NM_000414.4(HSD17B4):c.972+10A>G

Gene: HSD17B4 (hydroxysteroid 17-beta dehydrogenase 4; plus strand). Cytogenetic location: 5q23.1.
Variant type: single nucleotide variant.
Coding change: c.972+10A>G on transcript NM_000414.4 (MANE Select); 10 bases into the intron after coding-DNA position 972, A replaced by G.
Molecular consequence: intron variant.
Genome position (GRCh38, 1-based): chr5:119,496,656, A>G. VCF-style: chr5-119496656-A-G. GRCh37 (hg19) VCF-style: chr5-118832351-A-G.
Other names: c.561+10A>G (NM_001374503.1, NM_001374502.1, NM_001374501.1); c.1047+10A>G (NM_001199291.3); c.645+10A>G (NM_001374499.1); c.531+10A>G (NM_001374500.1); c.552+10A>G (NM_001292028.2); c.900+10A>G (NM_001292027.2); c.972+10A>G (NM_001374498.1, NM_000414.3); c.963+10A>G (NM_001374497.1); and 1 more.
Identifiers: ClinVar variation 1082363 (VCV001082363.12), dbSNP rs1054681866, ClinGen allele CA125880249.